The following is an entry in ClinVar:

ClinVar aggregate classification (germline): Benign/Likely benign. Review status: criteria provided, multiple submitters, no conflicts (2 of 4 stars). 3 submissions from 3 submitters: Benign (1); Likely benign (2). Last evaluated 2025-04-10.

Conditions:
Tuberous sclerosis 1 (TSC1). Identifiers: Orphanet 805, MedGen C1854465, MONDO:0008612, OMIM 191100.
Hereditary cancer-predisposing syndrome. Also called: Hereditary Cancer Syndrome; Tumor predisposition; Neoplastic Syndromes, Hereditary; Hereditary neoplastic syndrome. Identifiers: Orphanet 140162, MedGen C0027672, MeSH D009386, MONDO:0015356.

Submissions (3):

Myriad Genetics, Inc.
Classification: Benign for Tuberous sclerosis 1. Last evaluated: 2025-04-10. Review status: criteria provided, single submitter. Criteria: Myriad Autosomal Dominant, Autosomal Recessive and X-Linked Classification Criteria (2023). Collection method: clinical testing. Allele origin: unknown.
Comment: This variant is considered benign. This variant is a silent/synonymous amino acid change and it is not expected to impact splicing.

Labcorp Genetics (formerly Invitae), Labcorp
Classification: Likely benign for Tuberous sclerosis 1. Last evaluated: 2024-08-12. Review status: criteria provided, single submitter. Criteria: Invitae Variant Classification Sherloc (09022015). Collection method: clinical testing. Allele origin: germline.

Ambry Genetics
Classification: Likely benign for Hereditary cancer-predisposing syndrome. Last evaluated: 2024-02-18. Review status: criteria provided, single submitter. Criteria: Ambry Variant Classification Scheme 2023. Collection method: clinical testing. Allele origin: germline.

NM_000368.5(TSC1):c.1917T>C (p.Gly639=)

Gene: TSC1 (TSC complex subunit 1; minus strand). Cytogenetic location: 9q34.13.
Variant type: single nucleotide variant.
Coding change: c.1917T>C on transcript NM_000368.5 (MANE Select); coding-DNA position 1917, T replaced by C.
Protein change: p.Gly639=; no amino-acid change (glycine 639 retained).
Molecular consequence: synonymous variant. On other transcripts: non-coding transcript variant (5).
Genome position (GRCh38, 1-based): chr9:132,905,661, A>G on the plus strand (T>C on the coding strand, the complement: TSC1 is on the minus strand). VCF-style: chr9-132905661-A-G. GRCh37 (hg19) VCF-style: chr9-135781048-A-G.
Other names: c.966T>C, p.Gly322= (NM_001406626.1); c.963T>C, p.Gly321= (NM_001406627.1, NM_001406628.1); c.864T>C, p.Gly288= (NM_001406629.1, NM_001406630.1); c.1914T>C, p.Gly638= (NM_001162426.2, NM_001406597.1, NM_001406598.1 and 6 more transcripts); c.1764T>C, p.Gly588= (NM_001162427.2, NM_001406610.1); c.1554T>C, p.Gly518= (NM_001362177.2, NM_001406614.1, NM_001406615.1 and 5 more transcripts); c.1917T>C, p.Gly639= (NM_001406592.1, NM_001406593.1, NM_001406594.1 and 7 more transcripts); c.1761T>C, p.Gly587= (NM_001406611.1, NM_001406612.1, NM_001406613.1); and 1 more.
Identifiers: ClinVar variation 3231285 (VCV003231285.4), dbSNP rs775816560, ClinGen allele CA467812994.
Genomic context (GRCh38, chr9:132,905,661, plus strand): 5'-CGCGTCTGCTCCCTGCTGTATCAGTCTGTCCAGCACTTCCATTGGGGAGGTAGAGGGCAC[A>G]CCATCTTCCTCTGTGTTTCCTTTTGCTTTCTTTAACAGCTCCTCAGTCTTCCTGATGACA-3'
Protein context (NP_000359.1, residues 629-649): KKAKGNTEED[Gly639=]VPSTSPMEVL